The following is an entry in ClinVar:

ClinVar aggregate classification (germline): Uncertain significance (1 of 4 stars; one submission).

Conditions:
Combined oxidative phosphorylation deficiency 35 (COXPD35). Identifiers: MedGen C4693466, MONDO:0054742, OMIM 617873.

Submission:

Neuberg Centre For Genomic Medicine, NCGM
Classification: Uncertain significance for Combined oxidative phosphorylation deficiency 35. Last evaluated: 2023-06-22. Review status: criteria provided, single submitter. Criteria: ACMG Guidelines, 2015. Collection method: clinical testing. Allele origin: germline. Inheritance: Autosomal recessive inheritance. Affected: yes.
Comment: The observed missense variant c.887G>A(p.Gly296Glu) in TRIT1 gene has not been reported previously as a pathogenic variant nor as a benign variant, to our knowledge. This variant is absent in gnomAD Exomes. The amino acid Glycine at position 296 is changed to a Glutamic acid changing protein sequence and it might alter its composition and physico-chemical properties. Computational evidence (Polyphen - Benign, SIFT - Tolerated, and MutationTaster - Disease causing) predicts conflicting evidence on protein structure and function for this variant. he amino acid change p.Gly296Glu in TRIT1 is predicted as conserved by GERP++ and PhyloP across 100 vertebrates. For these reasons, this variant has been classified as uncertain significance.

NM_017646.6(TRIT1):c.887G>A (p.Gly296Glu)

Gene: TRIT1 (tRNA isopentenyltransferase 1; minus strand). Cytogenetic location: 1p34.2.
Variant type: single nucleotide variant.
Coding change: c.887G>A on transcript NM_017646.6 (MANE Select); coding-DNA position 887, G replaced by A.
Protein change: p.Gly296Glu; replaces glycine 296 with glutamic acid.
Molecular consequence: missense variant.
Genome position (GRCh38, 1-based): chr1:39,847,589, C>T on the plus strand (G>A on the coding strand, the complement: TRIT1 is on the minus strand). VCF-style: chr1-39847589-C-T. GRCh37 (hg19) VCF-style: chr1-40313261-C-T.
Other names: c.887G>A, p.Gly296Glu (NM_001312691.2); c.641G>A, p.Gly214Glu (NM_001312692.2); short protein forms G214E, G296E.
Identifiers: ClinVar variation 3731391 (VCV003731391.1).